The following is an entry in ClinVar:

NM_001379210.1(SLC25A26):c.707+665G>A

Gene: SLC25A26 (solute carrier family 25 member 26; plus strand). Cytogenetic location: 3p14.1.
Variant type: single nucleotide variant.
Coding change: c.707+665G>A on transcript NM_001379210.1 (MANE Select); 665 bases into the intron after coding-DNA position 707, G replaced by A.
Molecular consequence: intron variant. On other transcripts: missense variant (2).
Genome position (GRCh38, 1-based): chr3:66,371,267, G>A. VCF-style: chr3-66371267-G-A. GRCh37 (hg19) VCF-style: chr3-66421691-G-A.
Other names: c.773G>A, p.Arg258Gln (NM_001400705.1); c.509G>A, p.Arg170Gln (NM_001400709.1); c.707+665G>A (NM_173471.4); c.443+665G>A (NM_001350993.1, NM_001164796.1, NM_001400711.1); c.662+665G>A (NM_001400707.1); c.398+665G>A (NM_001400714.1); short protein forms R170Q, R258Q.
Identifiers: ClinVar variation 4820798 (VCV004820798.4).

ClinVar aggregate classification (germline): Likely benign (1 of 4 stars; one submission).

gnomAD v4.1: 851 of 1,548,904 alleles (0.055%); highest among the groups gnomAD compares: South Asian, 0.94%; 15 homozygotes.

Submission:

CeGaT Center for Human Genetics Tuebingen
Classification: Likely benign. Last evaluated: 2026-01-01. Review status: criteria provided, single submitter. Criteria: CeGaT Center For Human Genetics Tuebingen Variant Classification Criteria Version 2. Collection method: clinical testing. Allele origin: germline. Affected: yes. Observed: 1 variant allele.
Comment: SLC25A26: BS2